The following is an entry in ClinVar:

NM_175914.5(HNF4A):c.319+2667T>C

Gene: HNF4A (hepatocyte nuclear factor 4 alpha; plus strand). Cytogenetic location: 20q13.12.
Variant type: single nucleotide variant.
Coding change: c.319+2667T>C on transcript NM_175914.5 (MANE Select); 2667 bases into the intron after coding-DNA position 319, T replaced by C.
Molecular consequence: intron variant.
Genome position (GRCh38, 1-based): chr20:44,410,142, T>C. VCF-style: chr20-44410142-T-C. GRCh37 (hg19) VCF-style: chr20-43038782-T-C.
Other names: c.310+2667T>C (NM_001287182.2, NM_001287183.2, NM_001287184.2); c.319+2667T>C (NM_001030003.3, NM_001030004.3); c.364+2667T>C (NM_001258355.2); c.385+2667T>C (NM_178849.3, NM_000457.6, NM_178850.3).
Identifiers: ClinVar variation 1247131 (VCV001247131.2), dbSNP rs3212191, ClinGen allele CA14788736.

ClinVar aggregate classification (germline): Benign (1 of 4 stars; one submission).

Allele frequency attached by ClinVar (database versions not stated): gnomAD 0.28328 and 0.28882; TOPMed 0.30740; 1000 Genomes Project 0.34385; 1000 Genomes Project 30x 0.34541.
gnomAD v4.1: 43,941 of 152,188 alleles (29%); highest among the groups gnomAD compares: East Asian, 51%; 6,851 homozygotes.

Submission:

GeneDx
Classification: Benign. Last evaluated: 2020-04-28. Review status: criteria provided, single submitter. Criteria: GeneDx Variant Classification Process June 2021. Collection method: clinical testing. Allele origin: germline. Affected: yes.
Comment: This variant is associated with the following publications: (PMID: 31461081)